The following is an entry in ClinVar:

ClinVar aggregate classification (germline): Uncertain significance (1 of 4 stars; one submission).

gnomAD v4.1: 5 of 1,612,934 alleles (0.00031%); highest among the groups gnomAD compares: Admixed American, 0.0033%; no homozygotes.

Submissions (2):

Labcorp Genetics (formerly Invitae), Labcorp
Classification: Uncertain significance. Last evaluated: 2024-08-13. Review status: criteria provided, single submitter. Criteria: Invitae Variant Classification Sherloc (09022015). Collection method: clinical testing. Allele origin: germline.
Comment: This sequence change affects a donor splice site in intron 10 of the LAMA5 gene. It is expected to disrupt RNA splicing. Variants that disrupt the donor or acceptor splice site typically lead to a loss of protein function (PMID: 16199547), however the current clinical and genetic evidence is not sufficient to establish whether loss-of-function variants in LAMA5 cause disease. This variant is present in population databases (rs112620160, gnomAD 0.006%). This variant has not been reported in the literature in individuals affected with LAMA5-related conditions. Algorithms developed to predict the effect of sequence changes on RNA splicing suggest that this variant may disrupt the consensus splice site. In summary, the available evidence is currently insufficient to determine the role of this variant in disease. Therefore, it has been classified as a Variant of Uncertain Significance.

Dr. Peter K. Rogan Lab, Western University
No classification provided (evidence only). Condition: Clear cell carcinoma of kidney. Review status: no classification provided. Collection method: in vitro. Allele origin: not applicable. Functional consequence: retained intron. Not counted in ClinVar's aggregate classification.

Literature cited by the submitters: PubMed 16199547 (cited by Labcorp Genetics (formerly Invitae), Labcorp).

NM_005560.6(LAMA5):c.1417+1G>A

Gene: LAMA5 (laminin subunit alpha 5; minus strand). Cytogenetic location: 20q13.33.
Variant type: single nucleotide variant.
Coding change: c.1417+1G>A on transcript NM_005560.6 (MANE Select); the canonical splice donor site of the intron after coding-DNA position 1417, G replaced by A.
Molecular consequence: splice donor variant.
Genome position (GRCh38, 1-based): chr20:62,346,080, C>T on the plus strand (G>A on the coding strand, the complement: LAMA5 is on the minus strand). VCF-style: chr20-62346080-C-T. GRCh37 (hg19) VCF-style: chr20-60921136-C-T.
Identifiers: ClinVar variation 3702329 (VCV003702329.3).